The following is an entry in ClinVar:

NM_000593.6(TAP1):c.2140T>C (p.Phe714Leu)

Genes: PSMB8-AS1 (PSMB8 antisense RNA 1; plus strand), TAP1 (transporter 1, ATP binding cassette subfamily B member; minus strand). Cytogenetic location: 6p21.32.
Variant type: single nucleotide variant.
Coding change: c.2140T>C on transcript NM_000593.6 (MANE Select); coding-DNA position 2140, T replaced by C.
Protein change: p.Phe714Leu; replaces phenylalanine 714 with leucine.
Molecular consequence: missense variant. On other transcripts: non-coding transcript variant (4).
Genome position (GRCh38, 1-based): chr6:32,845,686, A>G on the plus strand (T>C on the coding strand, the complement: TAP1 is on the minus strand). VCF-style: chr6-32845686-A-G. GRCh37 (hg19) VCF-style: chr6-32813463-A-G.
Other names: c.1537T>C, p.Phe513Leu (NM_001292022.2); short protein forms F513L, F714L.
Identifiers: ClinVar variation 970299 (VCV000970299.10), dbSNP rs1272906792, ClinGen allele CA363590451.
Genomic context (GRCh38, chr6:32,845,686, plus strand): 5'-CCTTTTTCTCCATGAGCTGCTGGTGGGTTCCCCCCTCCCGGATAGCGCCTCCTTCCAGAA[A>G]GAGGATGTGGTCAGCCTGCTCCACCAGGCTGAGGTGCTGGGTGATGAGAAGCACTGAGCG-3'
Protein context (NP_000584.3, residues 704-724): SLVEQADHIL[Phe714Leu]LEGGAIREGG

ClinVar aggregate classification (germline): Uncertain significance (1 of 4 stars; one submission).

Conditions:
MHC class I deficiency. Identifiers: Orphanet 34592, MedGen C6024714, MONDO:0011476.

Allele frequency attached by ClinVar (database versions not stated): TOPMed 0.00007; gnomAD exomes below 0.00001 and 0.00002; gnomAD 0.00004.
gnomAD v4.1: 11 of 1,612,876 alleles (0.00068%); highest among the groups gnomAD compares: Admixed American, 0.015%; no homozygotes.

Submission:

Labcorp Genetics (formerly Invitae), Labcorp
Classification: Uncertain significance for MHC class I deficiency 1. Last evaluated: 2023-10-03. Review status: criteria provided, single submitter. Criteria: Invitae Variant Classification Sherloc (09022015). Collection method: clinical testing. Allele origin: germline.
Comment: This sequence change replaces phenylalanine, which is neutral and non-polar, with leucine, which is neutral and non-polar, at codon 774 of the TAP1 protein (p.Phe774Leu). This variant is present in population databases (no rsID available, gnomAD 0.009%). This variant has not been reported in the literature in individuals affected with TAP1-related conditions. ClinVar contains an entry for this variant (Variation ID: 970299). An algorithm developed to predict the effect of missense changes on protein structure and function (PolyPhen-2) suggests that this variant is likely to be tolerated. In summary, the available evidence is currently insufficient to determine the role of this variant in disease. Therefore, it has been classified as a Variant of Uncertain Significance.